The following is an entry in ClinVar:

ClinVar aggregate classification (germline): Pathogenic (1 of 4 stars; one submission).

Conditions:
Meckel-Gruber syndrome. Also called: DYSENCEPHALIA SPLANCHNOCYSTICA; GRUBER SYNDROME; Dysencephalia splachnocystica. Identifiers: Orphanet 564, MedGen C0265215, MONDO:0018921.
Joubert syndrome. Also called: CEREBELLOPARENCHYMAL DISORDER IV; JOUBERT-BOLTSHAUSER SYNDROME; Familial aplasia of the vermis. Identifiers: Orphanet 475, MedGen C5979921, MONDO:0018772.

Submission:

Labcorp Genetics (formerly Invitae), Labcorp
Classification: Pathogenic for Joubert syndrome; Meckel-Gruber syndrome. Last evaluated: 2022-09-12. Review status: criteria provided, single submitter. Criteria: Invitae Variant Classification Sherloc (09022015). Collection method: clinical testing. Allele origin: germline.
Comment: This variant is a gross deletion of the genomic region encompassing exon(s) 23-24 of the RPGRIP1L gene. This deletion is out-of-frame, and is expected to create a premature termination codon and result in an absent or disrupted protein product. Loss-of-function variants in RPGRIP1L are known to be pathogenic (PMID: 17558409). This variant has not been reported in the literature in individuals affected with RPGRIP1L-related conditions. For these reasons, this variant has been classified as Pathogenic.

Literature cited by the submitters: PubMed 17558409.

NC_000016.10:g.(?_53619015)_(53622366_?)del

Gene: RPGRIP1L (RPGRIP1 like; minus strand). Cytogenetic location: 16q12.2.
Variant type: Deletion.
Identifiers: ClinVar variation 831591 (VCV000831591.2).